The following is an entry in ClinVar:

ClinVar aggregate classification (germline): Uncertain significance (1 of 4 stars; one submission).

Conditions:
Wilms tumor 1 (WT1). Also called: Wilms tumor, somatic. Identifiers: Orphanet 654, MedGen CN033288, MONDO:0008679, OMIM 194070.
11p partial monosomy syndrome (WAGR). Also called: WAGR Spectrum Disorder; WAGR Complex; WAGR syndrome; CHROMOSOME 11p13 DELETION SYNDROME. Identifiers: Orphanet 893, MedGen C0206115, MONDO:0008681, OMIM 194072.
Drash syndrome (DDS). Also called: NEPHROPATHY, WILMS TUMOR, AND GENITAL ANOMALIES; WILMS TUMOR AND PSEUDO- OR TRUE HERMAPHRODITISM. Identifiers: Orphanet 220, MedGen C0950121, MONDO:0008682, OMIM 194080.
Frasier syndrome. Identifiers: Orphanet 347, MedGen C0950122, MeSH D052159, MONDO:0007635, OMIM 136680.

Submission:

Labcorp Genetics (formerly Invitae), Labcorp
Classification: Uncertain significance for Wilms tumor 1; Drash syndrome; 11p partial monosomy syndrome; Frasier syndrome. Last evaluated: 2020-08-20. Review status: criteria provided, single submitter. Criteria: Invitae Variant Classification Sherloc (09022015). Collection method: clinical testing. Allele origin: germline.
Comment: In summary, the available evidence is currently insufficient to determine the role of this variant in disease. Therefore, it has been classified as a Variant of Uncertain Significance. This sequence change replaces glutamine with histidine at codon 253 of the WT1 protein (p.Gln253His). The glutamine residue is highly conserved and there is a small physicochemical difference between glutamine and histidine. This variant is not present in population databases (ExAC no frequency). This variant has not been reported in the literature in individuals with WT1-related conditions. Algorithms developed to predict the effect of missense changes on protein structure and function are either unavailable or do not agree on the potential impact of this missense change (SIFT: "Deleterious"; PolyPhen-2: "Benign"; Align-GVGD: "Class C0").

NM_024426.6(WT1):c.774G>C (p.Gln258His)

Gene: WT1 (WT1 transcription factor; minus strand). Cytogenetic location: 11p13.
Variant type: single nucleotide variant.
Coding change: c.774G>C on transcript NM_024426.6 (MANE Select); coding-DNA position 774, G replaced by C.
Protein change: p.Gln258His; replaces glutamine 258 with histidine.
Molecular consequence: missense variant. On other transcripts: non-coding transcript variant (1).
Genome position (GRCh38, 1-based): chr11:32,428,507, C>G on the plus strand (G>C on the coding strand, the complement: WT1 is on the minus strand). VCF-style: chr11-32428507-C-G. GRCh37 (hg19) VCF-style: chr11-32450053-C-G.
Other names: c.774G>C, p.Gln258His (NM_000378.6, NM_001407044.1, NM_001407045.1 and 4 more transcripts); c.123G>C, p.Gln41His (NM_001198551.2, NM_001198552.2); c.12G>C, p.Gln4His (NM_001407051.1); c.759G>C, p.Gln253His (NM_024425.2); short protein forms Q41H, Q258H, Q4H, Q253H.
Identifiers: ClinVar variation 1041600 (VCV001041600.10), dbSNP rs1853140429, ClinGen allele CA379963272.